The following is an entry in ClinVar:

NM_000277.3(PAH):c.1036G>C (p.Gly346Arg)

Gene: PAH (phenylalanine hydroxylase; minus strand). Cytogenetic location: 12q23.2.
Variant type: single nucleotide variant.
Coding change: c.1036G>C on transcript NM_000277.3 (MANE Select); coding-DNA position 1036, G replaced by C.
Protein change: p.Gly346Arg; replaces glycine 346 with arginine.
Molecular consequence: missense variant.
Genome position (GRCh38, 1-based): chr12:102,844,365, C>G on the plus strand (G>C on the coding strand, the complement: PAH is on the minus strand). VCF-style: chr12-102844365-C-G. GRCh37 (hg19) VCF-style: chr12-103238143-C-G.
Other names: NM_000277.1(PAH):c.1036G>C; p.Gly346Arg; c.1036G>C, p.Gly346Arg (NM_001354304.2); short protein forms G346R.
Identifiers: ClinVar variation 102486 (VCV000102486.2), dbSNP rs62508688, ClinGen allele CA229294.

ClinVar aggregate classification (germline): Likely pathogenic. Review status: reviewed by expert panel (3 of 4 stars). 2 submissions from 2 submitters: Likely pathogenic (1). 1 of the submissions does not count toward it. Last evaluated 2026-02-18.

Conditions:
Phenylketonuria (PKU). Also called: Phenylketonuria (PKU); FOLLING DISEASE; OLIGOPHRENIA PHENYLPYRUVICA; Phenylketonurias. Identifiers: Orphanet 716, MedGen C0031485, MONDO:0009861, OMIM 261600. Disease mechanism: loss of function.

Submissions (2):

ClinGen PAH Variant Curation Expert Panel
Classification: Likely pathogenic for Phenylketonuria. Last evaluated: 2026-02-18. Review status: reviewed by expert panel. Criteria: ClinGen PAH ACMG Specifications PAH V2.0.0. Collection method: curation. Allele origin: germline. Inheritance: Autosomal recessive inheritance.
Comment: The c.1036G>C variant in PAH is a missense variant predicted to cause substitution of glycine by arginine at amino acid 346 (p.Gly346Arg). At least one patient with this variant displayed plasma phenylalanine concentration persistently above 120 umol/L (2mg/dL) without analysis of urine pterins, DHPR activity, or sequencing to exclude defects of BH4 cofactor metabolism, which is highly specific for Phenylketonuria (PP4_Supporting, PMID: 10394930, 16256386). Of those individuals, one was compound heterozygous for the variant and a pathogenic variant (phase unknown, PMID: 16256386, PM3_supporting). This variant is absent from gnomAD v4.1.0 (PM2_Supporting). The computational predictor REVEL gives a score of 0.986, which meets the threshold of 0.932, evidence that correlates with strong impact to PAH function (PP3_strong). The same amino acid change (p.Gly346Arg), resulting from a different nucleotide change c.1036G>A [ClinVar Variation ID: 102485], is classified as likely pathogenic for PAH deficiency by the ClinGen PAH Variant Curation Expert Panel. However, the PAH VCEP is not applying PS1 as evidence since the c.1036G>C variant is also classified as Likely pathogenic. In summary, this variant meets the criteria to be classified as Likely pathogenic for autosomal recessive PAH deficiency based on the ACMG/AMP criteria applied, as specified by the ClinGen PAH Variant Curation Expert Panel: PP3_strong, PP4, PM2_supporting, PM3_supporting (PAH VCEP specifications version 2.0.0; approved July 16, 2024).

DeBelle Laboratory for Biochemical Genetics, MUHC/MCH RESEARCH INSTITUTE
No classification provided. Review status: no classification provided. Collection method: not provided. Allele origin: not provided. Not counted in ClinVar's aggregate classification.

Literature cited by the submitters: PubMed 16256386 (cited by ClinGen PAH Variant Curation Expert Panel); PubMed 10394930 (cited by ClinGen PAH Variant Curation Expert Panel).